The following is an entry in ClinVar:

NM_206933.4(USH2A):c.14465T>C (p.Leu4822Pro)

Gene: USH2A (usherin; minus strand). Cytogenetic location: 1q41.
Variant type: single nucleotide variant.
Coding change: c.14465T>C on transcript NM_206933.4 (MANE Select); coding-DNA position 14465, T replaced by C.
Protein change: p.Leu4822Pro; replaces leucine 4822 with proline.
Molecular consequence: missense variant.
Genome position (GRCh38, 1-based): chr1:215,648,645, A>G on the plus strand (T>C on the coding strand, the complement: USH2A is on the minus strand). VCF-style: chr1-215648645-A-G. GRCh37 (hg19) VCF-style: chr1-215821987-A-G.
Other names: short protein forms L4822P.
Identifiers: ClinVar variation 2729537 (VCV002729537.3), dbSNP rs2464815879, ClinGen allele CA344833636.
Genomic context (GRCh38, chr1:215,648,645, plus strand): 5'-GAGGCCAGCGTCCCGATTTGTGGAGAGGACAGTCCTGAGGGTGGGGCAGGATGGGTTCTC[A>G]GTTCAGCTGTCGGTCCTTTGCTGCAACAGTTGAAGCAGGTGCAGGCCTCTACTCCAATAG-3'
Protein context (NP_996816.3, residues 4812-4832): NCCSKGPTAE[Leu4822Pro]RTHPAPPSGL

ClinVar aggregate classification (germline): Uncertain significance (1 of 4 stars; one submission).

Submission:

Labcorp Genetics (formerly Invitae), Labcorp
Classification: Uncertain significance. Last evaluated: 2023-07-19. Review status: criteria provided, single submitter. Criteria: Invitae Variant Classification Sherloc (09022015). Collection method: clinical testing. Allele origin: germline.
Comment: In summary, the available evidence is currently insufficient to determine the role of this variant in disease. Therefore, it has been classified as a Variant of Uncertain Significance. Advanced modeling of protein sequence and biophysical properties (such as structural, functional, and spatial information, amino acid conservation, physicochemical variation, residue mobility, and thermodynamic stability) has been performed at Invitae for this missense variant, however the output from this modeling did not meet the statistical confidence thresholds required to predict the impact of this variant on USH2A protein function. This variant has not been reported in the literature in individuals affected with USH2A-related conditions. This variant is not present in population databases (gnomAD no frequency). This sequence change replaces leucine, which is neutral and non-polar, with proline, which is neutral and non-polar, at codon 4822 of the USH2A protein (p.Leu4822Pro).